The following is an entry in ClinVar:

NM_020937.4(FANCM):c.6068A>G (p.Tyr2023Cys)

Gene: FANCM (FA complementation group M; plus strand). Cytogenetic location: 14q21.2.
Variant type: single nucleotide variant.
Coding change: c.6068A>G on transcript NM_020937.4 (MANE Select); coding-DNA position 6068, A replaced by G.
Protein change: p.Tyr2023Cys; replaces tyrosine 2023 with cysteine.
Molecular consequence: missense variant.
Genome position (GRCh38, 1-based): chr14:45,199,929, A>G. VCF-style: chr14-45199929-A-G. GRCh37 (hg19) VCF-style: chr14-45669132-A-G.
Other names: c.5990A>G, p.Tyr1997Cys (NM_001308133.2); c.6068A>G (NM_020937.2, NM_020937.3); short protein forms Y1997C, Y2023C.
Identifiers: ClinVar variation 1367406 (VCV001367406.11), dbSNP rs750156990, ClinGen allele CA7170124.
Genomic context (GRCh38, chr14:45,199,929, plus strand): 5'-GCTCACTTCAAGAAATCTCCATGTATGCACAAGTAACTCATCAGAAGGCTGAGGAGATCT[A>G]TAGATATATTCACTATGTATTTGACATACAAATGTTACCAAATGATCTTAACCAAGATAG-3'
Protein context (NP_065988.1, residues 2013-2033): QVTHQKAEEI[Tyr2023Cys]RYIHYVFDIQ

ClinVar aggregate classification (germline): Uncertain significance. Review status: criteria provided, multiple submitters, no conflicts (2 of 4 stars). 4 submissions from 4 submitters: Uncertain significance (4). Last evaluated 2024-11-19.

Conditions:
Spermatogenic failure 28. Identifiers: MedGen C4748117, MONDO:0054732, OMIM 618086.
Premature ovarian failure 15. Identifiers: MedGen C4748170, MONDO:0054862, OMIM 618096.
Fanconi anemia (FA). Also called: Fanconi's anemia. Identifiers: Orphanet 84, MedGen C0015625, MeSH D005199, MONDO:0019391.

Allele frequency attached by ClinVar (database versions not stated): TOPMed below 0.00001; ExAC 0.00001; gnomAD exomes 0.00001 and 0.00002.
gnomAD v4.1: 7 of 1,605,258 alleles (0.00044%); highest among the groups gnomAD compares: Admixed American, 0.012%; no homozygotes.

Submissions (4):

Quest Diagnostics Nichols Institute San Juan Capistrano
Classification: Uncertain significance. Last evaluated: 2024-11-19. Review status: criteria provided, single submitter. Criteria: Quest Diagnostics criteria. Collection method: clinical testing. Allele origin: unknown.
Comment: The FANCM c.6068A>G (p.Tyr2023Cys) variant has not been reported in individuals with FANCM-related conditions in the published literature. The frequency of this variant in the general population, 0.00014 (5/34586 chromosomes (Genome Aggregation Database)), is uninformative in the assessment of its pathogenicity. Analysis of this variant using bioinformatics tools for the prediction of the effect of amino acid changes on protein structure and function yielded predictions that this variant is benign. Based on the available information, we are unable to determine the clinical significance of this variant.

Labcorp Genetics (formerly Invitae), Labcorp
Classification: Uncertain significance for Fanconi anemia. Last evaluated: 2023-12-14. Review status: criteria provided, single submitter. Criteria: Invitae Variant Classification Sherloc (09022015). Collection method: clinical testing. Allele origin: germline.
Comment: This sequence change replaces tyrosine, which is neutral and polar, with cysteine, which is neutral and slightly polar, at codon 2023 of the FANCM protein (p.Tyr2023Cys). This variant is present in population databases (rs750156990, gnomAD 0.01%). This variant has not been reported in the literature in individuals affected with FANCM-related conditions. ClinVar contains an entry for this variant (Variation ID: 1367406). Algorithms developed to predict the effect of missense changes on protein structure and function output the following: SIFT: "Not Available"; PolyPhen-2: "Benign"; Align-GVGD: "Not Available". The cysteine amino acid residue is found in multiple mammalian species, which suggests that this missense change does not adversely affect protein function. In summary, the available evidence is currently insufficient to determine the role of this variant in disease. Therefore, it has been classified as a Variant of Uncertain Significance.

GeneDx
Classification: Uncertain significance. Last evaluated: 2023-06-13. Review status: criteria provided, single submitter. Criteria: GeneDx Variant Classification Process June 2021. Collection method: clinical testing. Allele origin: germline. Affected: yes.
Comment: Not observed at significant frequency in large population cohorts (gnomAD); In silico analysis supports that this missense variant has a deleterious effect on protein structure/function; Has not been previously published as pathogenic or benign to our knowledge

Fulgent Genetics
Classification: Uncertain significance for Spermatogenic failure 28; Premature ovarian failure 15. Last evaluated: 2022-03-29. Review status: criteria provided, single submitter. Criteria: ACMG Guidelines, 2015. Collection method: clinical testing. Allele origin: unknown.